The following is an entry in ClinVar:

ClinVar aggregate classification (germline): Uncertain significance. Review status: criteria provided, multiple submitters, no conflicts (2 of 4 stars). 4 submissions from 4 submitters: Uncertain significance (4). Last evaluated 2024-04-30.

Conditions:
Myopathy, centronuclear, 5 (CNM5). Identifiers: Orphanet 169186, MedGen C4014814, MONDO:0014418, OMIM 615959.

Allele frequency attached by ClinVar (database versions not stated): gnomAD exomes 0.00001 and 0.00006; ExAC 0.00003; gnomAD 0.00003 and 0.00004; TOPMed 0.00009.
gnomAD v4.1: 28 of 1,604,576 alleles (0.0017%); highest among the groups gnomAD compares: Admixed American, 0.029%; no homozygotes.

Submissions (4):

Blueprint Genetics
Classification: Uncertain significance. Last evaluated: 2024-04-30. Review status: criteria provided, single submitter. Criteria: ACMG Guidelines, 2015. Collection method: clinical testing. Allele origin: germline.

Labcorp Genetics (formerly Invitae), Labcorp
Classification: Uncertain significance. Last evaluated: 2022-07-20. Review status: criteria provided, single submitter. Criteria: Invitae Variant Classification Sherloc (09022015). Collection method: clinical testing. Allele origin: germline.
Comment: In summary, the available evidence is currently insufficient to determine the role of this variant in disease. Therefore, it has been classified as a Variant of Uncertain Significance. Algorithms developed to predict the effect of missense changes on protein structure and function output the following: SIFT: "Tolerated"; PolyPhen-2: "Benign"; Align-GVGD: "Class C0". The alanine amino acid residue is found in multiple mammalian species, which suggests that this missense change does not adversely affect protein function. ClinVar contains an entry for this variant (Variation ID: 1028954). This variant has not been reported in the literature in individuals affected with SPEG-related conditions. This variant is present in population databases (rs759849782, gnomAD 0.04%). This sequence change replaces glycine, which is neutral and non-polar, with alanine, which is neutral and non-polar, at codon 1966 of the SPEG protein (p.Gly1966Ala).

Daryl Scott Lab, Baylor College of Medicine
Classification: Uncertain significance for Myopathy, centronuclear, 5. Last evaluated: 2022-02-01. Review status: criteria provided, single submitter. Criteria: ACMG Guidelines, 2015. Collection method: clinical testing. Allele origin: biparental. Observed: 1 variant allele, 1 compound heterozygote.

Baylor Genetics
Classification: Uncertain significance for Myopathy, centronuclear, 5. Last evaluated: 2020-04-03. Review status: criteria provided, single submitter. Criteria: ACMG Guidelines, 2015. Collection method: clinical testing. Allele origin: unknown. Affected: yes.
Comment: This variant was determined to be of uncertain significance according to ACMG Guidelines, 2015 [PMID:25741868].

Literature cited by the submitters: PubMed 36474027 (cited by Daryl Scott Lab, Baylor College of Medicine).

NM_005876.5(SPEG):c.5897G>C (p.Gly1966Ala)

Genes: ASIC4-AS1 (ASIC4 antisense RNA 1; minus strand), SPEG (striated muscle enriched protein kinase; plus strand). Cytogenetic location: 2q35.
Variant type: single nucleotide variant.
Coding change: c.5897G>C on transcript NM_005876.5 (MANE Select); coding-DNA position 5897, G replaced by C.
Protein change: p.Gly1966Ala; replaces glycine 1966 with alanine.
Molecular consequence: missense variant.
Genome position (GRCh38, 1-based): chr2:219,483,360, G>C. VCF-style: chr2-219483360-G-C. GRCh37 (hg19) VCF-style: chr2-220348082-G-C.
Other names: short protein forms G1966A.
Identifiers: ClinVar variation 1028954 (VCV001028954.5), dbSNP rs759849782, ClinGen allele CA2126973.